The following is an entry in ClinVar:

ClinVar aggregate classification (germline): Uncertain significance. Review status: criteria provided, multiple submitters, no conflicts (2 of 4 stars). 3 submissions from 3 submitters: Uncertain significance (3). Last evaluated 2025-02-01.

Conditions:
Inborn genetic diseases. Identifiers: MedGen C0950123, MeSH D030342.
Bardet-Biedl syndrome (BBS). Identifiers: Orphanet 110, MedGen C0752166, MONDO:0015229.

Allele frequency attached by ClinVar (database versions not stated): gnomAD exomes 0.00001 and 0.00002; ExAC 0.00002; TOPMed 0.00002; gnomAD 0.00003 and 0.00004.
gnomAD v4.1: 9 of 1,613,844 alleles (0.00056%); highest among the groups gnomAD compares: East Asian, 0.0045%; no homozygotes.

Submissions (3):

Ambry Genetics
Classification: Uncertain significance for Inborn genetic diseases. Last evaluated: 2025-02-01. Review status: criteria provided, single submitter. Criteria: Ambry Variant Classification Scheme 2023. Collection method: clinical testing. Allele origin: germline.

Labcorp Genetics (formerly Invitae), Labcorp
Classification: Uncertain significance for Bardet-Biedl syndrome. Last evaluated: 2022-05-29. Review status: criteria provided, single submitter. Criteria: Invitae Variant Classification Sherloc (09022015). Collection method: clinical testing. Allele origin: germline.
Comment: This sequence change replaces valine, which is neutral and non-polar, with alanine, which is neutral and non-polar, at codon 454 of the TRIM32 protein (p.Val454Ala). This variant is present in population databases (rs781475334, gnomAD 0.01%). This variant has not been reported in the literature in individuals affected with TRIM32-related conditions. ClinVar contains an entry for this variant (Variation ID: 946462). Algorithms developed to predict the effect of missense changes on protein structure and function are either unavailable or do not agree on the potential impact of this missense change (SIFT: "Deleterious"; PolyPhen-2: "Benign"; Align-GVGD: "Class C15"). In summary, the available evidence is currently insufficient to determine the role of this variant in disease. Therefore, it has been classified as a Variant of Uncertain Significance.

Revvity Omics, Revvity
Classification: Uncertain significance. Last evaluated: 2019-01-03. Review status: criteria provided, single submitter. Criteria: ACMG Guidelines, 2015. Collection method: clinical testing. Allele origin: germline.

NM_012210.4(TRIM32):c.1361T>C (p.Val454Ala)

Genes: ASTN2 (astrotactin 2; minus strand), TRIM32 (tripartite motif containing 32; plus strand). Cytogenetic location: 9q33.1.
Variant type: single nucleotide variant.
Coding change: c.1361T>C on transcript NM_012210.4 (MANE Select); coding-DNA position 1361, T replaced by C.
Protein change: p.Val454Ala; replaces valine 454 with alanine.
Molecular consequence: missense variant. On other transcripts: intron variant (3).
Genome position (GRCh38, 1-based): chr9:116,699,103, T>C. VCF-style: chr9-116699103-T-C. GRCh37 (hg19) VCF-style: chr9-119461382-T-C.
Other names: c.1361T>C, p.Val454Ala (NM_001099679.2, NM_001379048.1, NM_001379049.1 and 1 more transcripts); c.2653+26668A>G (NM_014010.5); c.2794+26668A>G (NM_001365069.1); c.2806+26668A>G (NM_001365068.1); short protein forms V454A.
Identifiers: ClinVar variation 946462 (VCV000946462.13), dbSNP rs781475334, ClinGen allele CA5211135.